The following is an entry in ClinVar:

ClinVar aggregate classification (germline): Uncertain significance (1 of 4 stars; one submission).

Conditions:
X-linked Alport syndrome (ATS1). Also called: NEPHROPATHY AND DEAFNESS, X-LINKED; COL4A5-Related Nephropathy. Identifiers: Orphanet 63, Orphanet 88917, MedGen C4746986, MONDO:0010520, OMIM 301050.

Submission:

Juno Genomics, Hangzhou Juno Genomics, Inc
Classification: Uncertain significance for X-linked Alport syndrome. Review status: criteria provided, single submitter. Criteria: ACMG Guidelines, 2015. Collection method: clinical testing. Allele origin: germline.
Comment: Absent from controls (or at extremely low frequency if recessive) in Genome Aggregation Database.;Multiple lines of computational evidence support a deleterious effect on the gene or gene product.

NM_033380.3(COL4A5):c.4928C>T (p.Thr1643Ile)

Gene: COL4A5 (collagen type IV alpha 5 chain; plus strand). Cytogenetic location: Xq22.3.
Variant type: single nucleotide variant.
Coding change: c.4928C>T on transcript NM_033380.3 (MANE Select); coding-DNA position 4928, C replaced by T.
Protein change: p.Thr1643Ile; replaces threonine 1643 with isoleucine.
Molecular consequence: missense variant.
Genome position (GRCh38, 1-based): chrX:108,695,373, C>T. VCF-style: chrX-108695373-C-T. GRCh37 (hg19) VCF-style: chrX-107938603-C-T.
Other names: c.4910C>T, p.Thr1637Ile (NM_000495.5); short protein forms T1637I, T1643I.
Identifiers: ClinVar variation 5007490 (VCV005007490.2).
Genomic context (GRCh38, chrX:108,695,373, plus strand): 5'-CTGGTTCCTGCTTGGAAGAGTTTCGTTCAGCTCCCTTCATCGAATGTCATGGGAGGGGTA[C>T]CTGTAACTACTATGCCAACTCCTACAGCTTTTGGCTGGCAACTGTAGATGTGTCAGACAT-3'
Protein context (NP_203699.1, residues 1633-1653): APFIECHGRG[Thr1643Ile]CNYYANSYSF